The following is an entry in ClinVar:

ClinVar aggregate classification (germline): Uncertain significance (1 of 4 stars; one submission).

Conditions:
Neurofibromatosis, type 1 (NF1). Also called: Peripheral type neurofibromatosis; NEUROFIBROMATOSIS, TYPE I, SOMATIC; Neurofibromatosis, type I; VON RECKLINGHAUSEN DISEASE. Identifiers: Orphanet 636, MedGen C0027831, MONDO:0018975, OMIM 162200. Disease mechanism: loss of function.

Submission:

Labcorp Genetics (formerly Invitae), Labcorp
Classification: Uncertain significance for Neurofibromatosis, type 1. Last evaluated: 2022-04-18. Review status: criteria provided, single submitter. Criteria: Invitae Variant Classification Sherloc (09022015). Collection method: clinical testing. Allele origin: germline.
Comment: This variant is not present in population databases (gnomAD no frequency). This sequence change replaces threonine, which is neutral and polar, with asparagine, which is neutral and polar, at codon 1730 of the NF1 protein (p.Thr1730Asn). This variant has not been reported in the literature in individuals affected with NF1-related conditions. In summary, the available evidence is currently insufficient to determine the role of this variant in disease. Therefore, it has been classified as a Variant of Uncertain Significance. Algorithms developed to predict the effect of missense changes on protein structure and function are either unavailable or do not agree on the potential impact of this missense change (SIFT: "Tolerated"; PolyPhen-2: "Probably Damaging"; Align-GVGD: "Class C0").

NM_001042492.3(NF1):c.5252C>A (p.Thr1751Asn)

Gene: NF1 (neurofibromin 1; plus strand). Cytogenetic location: 17q11.2.
Variant type: single nucleotide variant.
Coding change: c.5252C>A on transcript NM_001042492.3 (MANE Select); coding-DNA position 5252, C replaced by A.
Protein change: p.Thr1751Asn; replaces threonine 1751 with asparagine.
Molecular consequence: missense variant.
Genome position (GRCh38, 1-based): chr17:31,326,236, C>A. VCF-style: chr17-31326236-C-A. GRCh37 (hg19) VCF-style: chr17-29653254-C-A.
Other names: c.5189C>A, p.Thr1730Asn (NM_000267.4); short protein forms T1730N, T1751N.
Identifiers: ClinVar variation 2127658 (VCV002127658.4), dbSNP rs2151539068, ClinGen allele CA399008356.